The following is an entry in ClinVar:

NM_001134665.3(TRMT10A):c.388G>T (p.Ala130Ser)

Gene: TRMT10A (tRNA methyltransferase 10A; minus strand). Cytogenetic location: 4q23.
Variant type: single nucleotide variant.
Coding change: c.388G>T on transcript NM_001134665.3 (MANE Select); coding-DNA position 388, G replaced by T.
Protein change: p.Ala130Ser; replaces alanine 130 with serine.
Molecular consequence: missense variant.
Genome position (GRCh38, 1-based): chr4:99,557,377, C>A on the plus strand (G>T on the coding strand, the complement: TRMT10A is on the minus strand). VCF-style: chr4-99557377-C-A. GRCh37 (hg19) VCF-style: chr4-100478534-C-A.
Other names: c.388G>T, p.Ala130Ser (NM_001134666.3, NM_001375880.1, NM_001375881.1 and 2 more transcripts); short protein forms A130S.
Identifiers: ClinVar variation 1029188 (VCV001029188.1), dbSNP rs149241895, ClinGen allele CA357510767.

ClinVar aggregate classification (germline): Uncertain significance (1 of 4 stars; one submission).

Conditions:
Microcephaly, short stature, and impaired glucose metabolism 1 (MSSGM1). Identifiers: Orphanet 391408, MedGen C4014997, MONDO:0000208, OMIM 616033.

gnomAD v4.1: 3 of 1,613,388 alleles (0.00019%); highest among the groups gnomAD compares: Non-Finnish European, 0.00017%; no homozygotes.

Submission:

Baylor Genetics
Classification: Uncertain significance for Microcephaly, short stature, and impaired glucose metabolism 1. Last evaluated: 2020-05-05. Review status: criteria provided, single submitter. Criteria: ACMG Guidelines, 2015. Collection method: clinical testing. Allele origin: unknown. Affected: yes.
Comment: This variant was determined to be of uncertain significance according to ACMG Guidelines, 2015 [PMID:25741868].